The following is an entry in ClinVar:

NM_014989.7(RIMS1):c.29C>G (p.Pro10Arg)

Gene: RIMS1 (regulating synaptic membrane exocytosis 1; plus strand). Cytogenetic location: 6q13.
Variant type: single nucleotide variant.
Coding change: c.29C>G on transcript NM_014989.7 (MANE Select); coding-DNA position 29, C replaced by G.
Protein change: p.Pro10Arg; replaces proline 10 with arginine.
Molecular consequence: missense variant.
Genome position (GRCh38, 1-based): chr6:71,887,052, C>G. VCF-style: chr6-71887052-C-G. GRCh37 (hg19) VCF-style: chr6-72596755-C-G.
Other names: c.29C>G, p.Pro10Arg (NM_001350411.1, NM_001350412.1, NM_001350413.1); short protein forms P10R.
Identifiers: ClinVar variation 912253 (VCV000912253.9), dbSNP rs546636252, ClinGen allele CA3885366.

ClinVar aggregate classification (germline): Uncertain significance. Review status: criteria provided, multiple submitters, no conflicts (2 of 4 stars). 2 submissions from 2 submitters: Uncertain significance (2). Last evaluated 2025-04-01.

Conditions:
Cone-rod dystrophy 7 (CORD7). Identifiers: Orphanet 1872, MedGen C1863634, MONDO:0011355, OMIM 603649.

Allele frequency attached by ClinVar (database versions not stated): ExAC 0.00001; gnomAD 0.00001; 1000 Genomes Project 0.00020; 1000 Genomes Project 30x 0.00016.

Submissions (2):

Labcorp Genetics (formerly Invitae), Labcorp
Classification: Uncertain significance. Last evaluated: 2025-04-01. Review status: criteria provided, single submitter. Criteria: Invitae Variant Classification Sherloc (09022015). Collection method: clinical testing. Allele origin: germline.
Comment: This sequence change replaces proline, which is neutral and non-polar, with arginine, which is basic and polar, at codon 10 of the RIMS1 protein (p.Pro10Arg). This variant is present in population databases (rs546636252, gnomAD 0.006%). This variant has not been reported in the literature in individuals affected with RIMS1-related conditions. ClinVar contains an entry for this variant (Variation ID: 912253). An algorithm developed to predict the effect of missense changes on protein structure and function (PolyPhen-2) suggests that this variant is likely to be disruptive. In summary, the available evidence is currently insufficient to determine the role of this variant in disease. Therefore, it has been classified as a Variant of Uncertain Significance.

Illumina Laboratory Services, Illumina
Classification: Uncertain significance for Cone-rod dystrophy 7. Last evaluated: 2018-01-13. Review status: criteria provided, single submitter. Criteria: ICSL Variant Classification Criteria 13 December 2019. Collection method: clinical testing. Allele origin: germline.